The following is an entry in ClinVar:

NM_018706.7(DHTKD1):c.1150A>G (p.Ser384Gly)

Gene: DHTKD1 (dehydrogenase E1 and transketolase domain containing 1; plus strand). Cytogenetic location: 10p14.
Variant type: single nucleotide variant.
Coding change: c.1150A>G on transcript NM_018706.7 (MANE Select); coding-DNA position 1150, A replaced by G.
Protein change: p.Ser384Gly; replaces serine 384 with glycine.
Molecular consequence: missense variant.
Genome position (GRCh38, 1-based): chr10:12,091,675, A>G. VCF-style: chr10-12091675-A-G. GRCh37 (hg19) VCF-style: chr10-12133674-A-G.
Other names: short protein forms S384G.
Identifiers: ClinVar variation 1963449 (VCV001963449.5), dbSNP rs937030088, ClinGen allele CA376019776.

ClinVar aggregate classification (germline): Uncertain significance (1 of 4 stars; one submission).

Conditions:
2-aminoadipic 2-oxoadipic aciduria (AAKAD). Also called: Aminoadipic aciduria; ALPHA-AMINOADIPIC AND ALPHA-KETOADIPIC ACIDURIA. Identifiers: Orphanet 79154, MedGen C1859817, MONDO:0008774, OMIM 204750.

Allele frequency attached by ClinVar (database versions not stated): gnomAD exomes 0.00001.
gnomAD v4.1: 8 of 1,613,682 alleles (0.0005%); highest among the groups gnomAD compares: Non-Finnish European, 0.00059%; no homozygotes.

Submission:

Labcorp Genetics (formerly Invitae), Labcorp
Classification: Uncertain significance for 2-aminoadipic 2-oxoadipic aciduria. Last evaluated: 2022-06-27. Review status: criteria provided, single submitter. Criteria: Invitae Variant Classification Sherloc (09022015). Collection method: clinical testing. Allele origin: germline.
Comment: This sequence change replaces serine, which is neutral and polar, with glycine, which is neutral and non-polar, at codon 384 of the DHTKD1 protein (p.Ser384Gly). This variant is not present in population databases (gnomAD no frequency). This variant has not been reported in the literature in individuals affected with DHTKD1-related conditions. Algorithms developed to predict the effect of missense changes on protein structure and function are either unavailable or do not agree on the potential impact of this missense change (SIFT: "Deleterious"; PolyPhen-2: "Possibly Damaging"; Align-GVGD: "Class C0"). In summary, the available evidence is currently insufficient to determine the role of this variant in disease. Therefore, it has been classified as a Variant of Uncertain Significance.